The following is an entry in ClinVar:

NM_000064.4(C3):c.4349A>T (p.Lys1450Met)

Gene: C3 (complement C3; minus strand). Cytogenetic location: 19p13.3.
Variant type: single nucleotide variant.
Coding change: c.4349A>T on transcript NM_000064.4 (MANE Select); coding-DNA position 4349, A replaced by T.
Protein change: p.Lys1450Met; replaces lysine 1450 with methionine.
Molecular consequence: missense variant.
Genome position (GRCh38, 1-based): chr19:6,681,942, T>A on the plus strand (A>T on the coding strand, the complement: C3 is on the minus strand). VCF-style: chr19-6681942-T-A. GRCh37 (hg19) VCF-style: chr19-6681953-T-A.
Other names: short protein forms K1450M.
Identifiers: ClinVar variation 3661595 (VCV003661595.2).

ClinVar aggregate classification (germline): Uncertain significance (1 of 4 stars; one submission).

gnomAD v4.1: 5 of 1,612,752 alleles (0.00031%); highest among the groups gnomAD compares: Non-Finnish European, 0.00042%; no homozygotes.

Submission:

Labcorp Genetics (formerly Invitae), Labcorp
Classification: Uncertain significance. Last evaluated: 2024-08-06. Review status: criteria provided, single submitter. Criteria: Invitae Variant Classification Sherloc (09022015). Collection method: clinical testing. Allele origin: germline.
Comment: This sequence change replaces lysine, which is basic and polar, with methionine, which is neutral and non-polar, at codon 1450 of the C3 protein (p.Lys1450Met). This variant is not present in population databases (gnomAD no frequency). This variant has not been reported in the literature in individuals affected with C3-related conditions. An algorithm developed to predict the effect of missense changes on protein structure and function (PolyPhen-2) suggests that this variant is likely to be disruptive. In summary, the available evidence is currently insufficient to determine the role of this variant in disease. Therefore, it has been classified as a Variant of Uncertain Significance.